The following is an entry in ClinVar:

NM_025114.4(CEP290):c.4257C>A (p.Asp1419Glu)

Gene: CEP290 (centrosomal protein 290; minus strand). Cytogenetic location: 12q21.32.
Variant type: single nucleotide variant.
Coding change: c.4257C>A on transcript NM_025114.4 (MANE Select); coding-DNA position 4257, C replaced by A.
Protein change: p.Asp1419Glu; replaces aspartic acid 1419 with glutamic acid.
Molecular consequence: missense variant.
Genome position (GRCh38, 1-based): chr12:88,086,436, G>T on the plus strand (C>A on the coding strand, the complement: CEP290 is on the minus strand). VCF-style: chr12-88086436-G-T. GRCh37 (hg19) VCF-style: chr12-88480213-G-T.
Other names: short protein forms D1419E.
Identifiers: ClinVar variation 310601 (VCV000310601.16), dbSNP rs771898047, ClinGen allele CA6711991.

ClinVar aggregate classification (germline): Uncertain significance. Review status: criteria provided, multiple submitters, no conflicts (2 of 4 stars). 11 submissions from 7 submitters: Uncertain significance (10). 1 of the submissions does not count toward it. Last evaluated 2026-03-19.

Conditions:
CEP290-related disorder. Also called: CEP290-related disorders; CEP290-related condition. Identifiers: MedGen CN239314.
Inborn genetic diseases. Identifiers: MedGen C0950123, MeSH D030342.
Joubert syndrome. Also called: Familial aplasia of the vermis; JOUBERT-BOLTSHAUSER SYNDROME. Identifiers: Orphanet 475, MedGen C5979921, MONDO:0018772.
Meckel-Gruber syndrome. Also called: DYSENCEPHALIA SPLANCHNOCYSTICA; GRUBER SYNDROME; Dysencephalia splachnocystica. Identifiers: Orphanet 564, MedGen C0265215, MONDO:0018921.
Nephronophthisis. Also called: Juvenile Nephronophthisis. Identifiers: Orphanet 655, MedGen C0687120, MONDO:0019005, HP:0000090.
Leber congenital amaurosis 10 (LCA10). Identifiers: Orphanet 65, MedGen C1857821, MONDO:0012723, OMIM 611755.
Bardet-Biedl syndrome 14 (BBS14). Identifiers: Orphanet 110, MedGen C2673874, MONDO:0014442, OMIM 615991.
Leber congenital amaurosis (LCA). Also called: Leber's amaurosis. Identifiers: Orphanet 65, MedGen C0339527, MeSH D057130, MONDO:0018998.
Meckel syndrome, type 4 (MKS4). Also called: MECKEL-GRUBER SYNDROME, TYPE 4. Identifiers: Orphanet 564, MedGen C1970161, MONDO:0012626, OMIM 611134.
Senior-Loken syndrome 6 (SLSN6). Identifiers: Orphanet 3156, MedGen C1857779, MONDO:0012433, OMIM 610189.
Joubert syndrome 5 (JBTS5). Identifiers: Orphanet 2318, MedGen C1857780, MONDO:0012432, OMIM 610188.

Allele frequency attached by ClinVar (database versions not stated): gnomAD 0.00001; TOPMed 0.00001; gnomAD exomes 0.00002 and 0.00004; ExAC 0.00006.
gnomAD v4.1: 14 of 1,599,896 alleles (0.00088%); highest among the groups gnomAD compares: Admixed American, 0.022%; no homozygotes.

Submissions (11):

PreventionGenetics, part of Exact Sciences
Classification: Uncertain significance for CEP290-related condition. Last evaluated: 2026-03-19. Review status: criteria provided, single submitter. Criteria: ACMG Guidelines, 2015. Collection method: clinical testing. Allele origin: germline.
Comment: The CEP290 c.4257C>A variant is predicted to result in the amino acid substitution p.Asp1419Glu. To our knowledge, this variant has not been reported in the literature. This variant is reported in 0.031% of alleles in individuals of Latino descent in gnomAD. At this time, the clinical significance of this variant is uncertain due to the absence of conclusive functional and genetic evidence.

Ambry Genetics
Classification: Uncertain significance for Inborn genetic diseases. Last evaluated: 2025-09-22. Review status: criteria provided, single submitter. Criteria: Ambry Variant Classification Scheme 2023. Collection method: clinical testing. Allele origin: germline.

GeneDx
Classification: Uncertain significance. Last evaluated: 2023-03-27. Review status: criteria provided, single submitter. Criteria: GeneDx Variant Classification Process June 2021. Collection method: clinical testing. Allele origin: germline. Affected: yes.
Comment: In silico analysis supports that this missense variant does not alter protein structure/function; Has not been previously published as pathogenic or benign to our knowledge

Labcorp Genetics (formerly Invitae), Labcorp
Classification: Uncertain significance for Joubert syndrome; Meckel-Gruber syndrome; Nephronophthisis. Last evaluated: 2022-09-01. Review status: criteria provided, single submitter. Criteria: Invitae Variant Classification Sherloc (09022015). Collection method: clinical testing. Allele origin: germline.
Comment: This sequence change replaces aspartic acid, which is acidic and polar, with glutamic acid, which is acidic and polar, at codon 1419 of the CEP290 protein (p.Asp1419Glu). The frequency data for this variant in the population databases is considered unreliable, as metrics indicate poor data quality at this position in the gnomAD database. This variant has not been reported in the literature in individuals affected with CEP290-related conditions. ClinVar contains an entry for this variant (Variation ID: 310601). Algorithms developed to predict the effect of missense changes on protein structure and function are either unavailable or do not agree on the potential impact of this missense change (SIFT: "Tolerated"; PolyPhen-2: "Probably Damaging"; Align-GVGD: "Class C0"). In summary, the available evidence is currently insufficient to determine the role of this variant in disease. Therefore, it has been classified as a Variant of Uncertain Significance.

Illumina Laboratory Services, Illumina
Classification: Uncertain significance for Senior-Loken syndrome 6. Last evaluated: 2018-01-13. Review status: criteria provided, single submitter. Criteria: ICSL Variant Classification Criteria 13 December 2019. Collection method: clinical testing. Allele origin: germline.

Illumina Laboratory Services, Illumina
Classification: Uncertain significance for Joubert syndrome 5. Last evaluated: 2018-01-13. Review status: criteria provided, single submitter. Criteria: ICSL Variant Classification Criteria 13 December 2019. Collection method: clinical testing. Allele origin: germline.

Illumina Laboratory Services, Illumina
Classification: Uncertain significance for Leber congenital amaurosis 10. Last evaluated: 2018-01-13. Review status: criteria provided, single submitter. Criteria: ICSL Variant Classification Criteria 13 December 2019. Collection method: clinical testing. Allele origin: germline.

Illumina Laboratory Services, Illumina
Classification: Uncertain significance for Bardet-Biedl syndrome 14. Last evaluated: 2018-01-13. Review status: criteria provided, single submitter. Criteria: ICSL Variant Classification Criteria 13 December 2019. Collection method: clinical testing. Allele origin: germline.

Illumina Laboratory Services, Illumina
Classification: Uncertain significance for Meckel syndrome, type 4. Last evaluated: 2018-01-13. Review status: criteria provided, single submitter. Criteria: ICSL Variant Classification Criteria 13 December 2019. Collection method: clinical testing. Allele origin: germline.

Center for Pediatric Genomic Medicine, Children's Mercy Hospital and Clinics
Classification: Uncertain significance. Last evaluated: 2017-08-01. Review status: criteria provided, single submitter. Criteria: ACMG Guidelines, 2015. Collection method: clinical testing. Allele origin: germline.

Natera, Inc.
Classification: Uncertain significance for Leber congenital amaurosis. Last evaluated: 2020-01-24. Review status: no assertion criteria provided. Collection method: clinical testing. Allele origin: germline. Not counted in ClinVar's aggregate classification.